The following is an entry in ClinVar:

ClinVar aggregate classification (germline): Uncertain significance (1 of 4 stars; one submission).

Conditions:
Fanconi anemia (FA). Also called: Fanconi's anemia. Identifiers: Orphanet 84, MedGen C0015625, MeSH D005199, MONDO:0019391.

Submission:

Labcorp Genetics (formerly Invitae), Labcorp
Classification: Uncertain significance for Fanconi anemia. Last evaluated: 2025-12-17. Review status: criteria provided, single submitter. Criteria: Invitae Variant Classification Sherloc (09022015). Collection method: clinical testing. Allele origin: germline.
Comment: This sequence change replaces isoleucine, which is neutral and non-polar, with phenylalanine, which is neutral and non-polar, at codon 822 of the FANCI protein (p.Ile822Phe). This variant is not present in population databases (gnomAD no frequency). This variant has not been reported in the literature in individuals affected with FANCI-related conditions. An algorithm developed to predict the effect of missense changes on protein structure and function (PolyPhen-2) suggests that this variant is likely to be tolerated. In summary, the available evidence is currently insufficient to determine the role of this variant in disease. Therefore, it has been classified as a Variant of Uncertain Significance.

NM_001113378.2(FANCI):c.2464A>T (p.Ile822Phe)

Gene: FANCI (FA complementation group I; plus strand). Cytogenetic location: 15q26.1.
Variant type: single nucleotide variant.
Coding change: c.2464A>T on transcript NM_001113378.2 (MANE Select); coding-DNA position 2464, A replaced by T.
Protein change: p.Ile822Phe; replaces isoleucine 822 with phenylalanine.
Molecular consequence: missense variant. On other transcripts: intron variant (1).
Genome position (GRCh38, 1-based): chr15:89,294,922, A>T. VCF-style: chr15-89294922-A-T. GRCh37 (hg19) VCF-style: chr15-89838153-A-T.
Other names: c.2185A>T, p.Ile729Phe (NM_001376910.1); c.2464A>T, p.Ile822Phe (NM_001376911.1); c.2456+925A>T (NM_018193.3); short protein forms I729F, I822F.
Identifiers: ClinVar variation 4733529 (VCV004733529.1).